The following is an entry in ClinVar:

ClinVar aggregate classification (germline): Pathogenic. Review status: criteria provided, multiple submitters, no conflicts (2 of 4 stars). 2 submissions from 2 submitters: Pathogenic (2). Last evaluated 2023-09-18.

Conditions:
Hereditary cancer-predisposing syndrome. Also called: Hereditary neoplastic syndrome; Neoplastic Syndromes, Hereditary; Hereditary Cancer Syndrome; Tumor predisposition. Identifiers: Orphanet 140162, MedGen C0027672, MeSH D009386, MONDO:0015356.
DICER1-related tumor predisposition. Also called: DICER1-related pleuropulmonary blastoma cancer predisposition syndrome; DICER1 syndrome. Identifiers: Orphanet 284343, MedGen C3839822, MONDO:0100216.

Submissions (2):

Ambry Genetics
Classification: Pathogenic for Hereditary cancer-predisposing syndrome. Last evaluated: 2023-09-18. Review status: criteria provided, single submitter. Criteria: Ambry Variant Classification Scheme 2023. Collection method: clinical testing. Allele origin: germline.
Comment: The p.Y946* pathogenic mutation (also known as c.2838T>G), located in coding exon 17 of the DICER1 gene, results from a T to G substitution at nucleotide position 2838. This changes the amino acid from a tyrosine to a stop codon within coding exon 17. This variant is considered to be rare based on population cohorts in the Genome Aggregation Database (gnomAD). This alteration is expected to result in loss of function by premature protein truncation or nonsense-mediated mRNA decay. As such, this alteration is interpreted as a disease-causing mutation.

Labcorp Genetics (formerly Invitae), Labcorp
Classification: Pathogenic for DICER1-related tumor predisposition. Last evaluated: 2021-11-28. Review status: criteria provided, single submitter. Criteria: Invitae Variant Classification Sherloc (09022015). Collection method: clinical testing. Allele origin: germline.
Comment: This sequence change creates a premature translational stop signal (p.Tyr946*) in the DICER1 gene. It is expected to result in an absent or disrupted protein product. Loss-of-function variants in DICER1 are known to be pathogenic (PMID: 19556464, 21266384). For these reasons, this variant has been classified as Pathogenic. Algorithms developed to predict the effect of sequence changes on RNA splicing suggest that this variant may create or strengthen a splice site. This variant has not been reported in the literature in individuals affected with DICER1-related conditions. This variant is not present in population databases (gnomAD no frequency).

Literature cited by the submitters: PubMed 19556464 (cited by Labcorp Genetics (formerly Invitae), Labcorp); PubMed 21266384 (cited by Labcorp Genetics (formerly Invitae), Labcorp).

NM_177438.3(DICER1):c.2838T>G (p.Tyr946Ter)

Gene: DICER1 (dicer 1, ribonuclease III; minus strand). Cytogenetic location: 14q32.13.
Variant type: single nucleotide variant.
Coding change: c.2838T>G on transcript NM_177438.3 (MANE Select); coding-DNA position 2838, T replaced by G.
Protein change: p.Tyr946Ter; replaces tyrosine 946 with a stop codon.
Molecular consequence: nonsense.
Genome position (GRCh38, 1-based): chr14:95,106,190, A>C on the plus strand (T>G on the coding strand, the complement: DICER1 is on the minus strand). VCF-style: chr14-95106190-A-C. GRCh37 (hg19) VCF-style: chr14-95572527-A-C.
Other names: c.2838T>G, p.Tyr946Ter (NM_001195573.1, NM_001271282.3, NM_001291628.2 and 1 more transcripts); c.2838T>G (NM_177438.2); short protein forms Y946*.
Identifiers: ClinVar variation 1415872 (VCV001415872.8), dbSNP rs1185406502, ClinGen allele CA390879199.
Genomic context (GRCh38, chr14:95,106,190, plus strand): 5'-TTCATACTCAGGGGAAGGAAATTTACTGAGTGGGGTAAGATCAGTGTACACATCAGCTAC[A>C]TAAAATCGATGAGGCTGATCAAAATTGCGATATCTAAAAAAGAAAAACAAAAAAACAATC-3'